The following is an entry in ClinVar:

ClinVar aggregate classification (germline): Conflicting classifications of pathogenicity. Review status: criteria provided, conflicting classifications (1 of 4 stars). 2 submissions from 2 submitters: Uncertain significance (1); Likely benign (1). Last evaluated 2025-11-01.

Conditions:
Inborn genetic diseases. Identifiers: MedGen C0950123, MeSH D030342.

Allele frequency attached by ClinVar (database versions not stated): ExAC 0.00005; gnomAD 0.00011.
gnomAD v4.1: 434 of 1,549,812 alleles (0.028%); highest among the groups gnomAD compares: Non-Finnish European, 0.036%; no homozygotes.

Submissions (2):

CeGaT Center for Human Genetics Tuebingen
Classification: Likely benign. Last evaluated: 2025-11-01. Review status: criteria provided, single submitter. Criteria: CeGaT Center For Human Genetics Tuebingen Variant Classification Criteria Version 2. Collection method: clinical testing. Allele origin: germline. Affected: yes. Observed: 1 variant allele.
Comment: SLFN14: BP4

Ambry Genetics
Classification: Uncertain significance for Inborn genetic diseases. Last evaluated: 2025-06-23. Review status: criteria provided, single submitter. Criteria: Ambry Variant Classification Scheme 2023. Collection method: clinical testing. Allele origin: germline.

NM_001129820.2(SLFN14):c.7A>G (p.Ser3Gly)

Gene: SLFN14 (schlafen family member 14; minus strand). Cytogenetic location: 17q12.
Variant type: single nucleotide variant.
Coding change: c.7A>G on transcript NM_001129820.2 (MANE Select); coding-DNA position 7, A replaced by G.
Protein change: p.Ser3Gly; replaces serine 3 with glycine.
Molecular consequence: missense variant.
Genome position (GRCh38, 1-based): chr17:35,558,056, T>C on the plus strand (A>G on the coding strand, the complement: SLFN14 is on the minus strand). VCF-style: chr17-35558056-T-C. GRCh37 (hg19) VCF-style: chr17-33885075-T-C.
Other names: short protein forms S3G.
Identifiers: ClinVar variation 2567198 (VCV002567198.9), dbSNP rs774339589, ClinGen allele CA8504725.